The following is an entry in ClinVar:

ClinVar aggregate classification (germline): Uncertain significance (1 of 4 stars; one submission).

Conditions:
Werner syndrome (WRN). Identifiers: Orphanet 902, MedGen C0043119, MONDO:0010196, OMIM 277700.

Allele frequency attached by ClinVar (database versions not stated): gnomAD 0.00001.

Submission:

Labcorp Genetics (formerly Invitae), Labcorp
Classification: Uncertain significance for Werner syndrome. Last evaluated: 2024-01-02. Review status: criteria provided, single submitter. Criteria: Invitae Variant Classification Sherloc (09022015). Collection method: clinical testing. Allele origin: germline.
Comment: This sequence change creates a premature translational stop signal (p.Ser1383*) in the WRN gene. While this is not anticipated to result in nonsense mediated decay, it is expected to disrupt the last 50 amino acid(s) of the WRN protein. This variant is not present in population databases (gnomAD no frequency). This variant has not been reported in the literature in individuals affected with WRN-related conditions. ClinVar contains an entry for this variant (Variation ID: 404059). In summary, the available evidence is currently insufficient to determine the role of this variant in disease. Therefore, it has been classified as a Variant of Uncertain Significance.

NM_000553.6(WRN):c.4148C>G (p.Ser1383Ter)

Gene: WRN (WRN RecQ like helicase; plus strand). Cytogenetic location: 8p12.
Variant type: single nucleotide variant.
Coding change: c.4148C>G on transcript NM_000553.6 (MANE Select); coding-DNA position 4148, C replaced by G.
Protein change: p.Ser1383Ter; replaces serine 1383 with a stop codon.
Molecular consequence: nonsense.
Genome position (GRCh38, 1-based): chr8:31,167,187, C>G. VCF-style: chr8-31167187-C-G. GRCh37 (hg19) VCF-style: chr8-31024703-C-G.
Other names: short protein forms S1383*.
Identifiers: ClinVar variation 404059 (VCV000404059.8), dbSNP rs1060500080, ClinGen allele CA16612336.